The following is an entry in ClinVar:

ClinVar aggregate classification (germline): Uncertain significance (1 of 4 stars; one submission).

Conditions:
Axenfeld-Rieger syndrome type 3 (RIEG3). Also called: AXENFELD-RIEGER ANOMALY WITH CARDIAC DEFECTS AND/OR SENSORINEURAL HEARING LOSS. Identifiers: Orphanet 782, MedGen C2678503, MONDO:0011233, OMIM 602482.

Submission:

Labcorp Genetics (formerly Invitae), Labcorp
Classification: Uncertain significance for Axenfeld-Rieger syndrome type 3. Last evaluated: 2022-10-17. Review status: criteria provided, single submitter. Criteria: Invitae Variant Classification Sherloc (09022015). Collection method: clinical testing. Allele origin: germline.
Comment: In summary, the available evidence is currently insufficient to determine the role of this variant in disease. Therefore, it has been classified as a Variant of Uncertain Significance. This variant disrupts the p.Arg169 amino acid residue in FOXC1. Other variant(s) that disrupt this residue have been determined to be pathogenic (PMID: 15277473). This suggests that this residue is clinically significant, and that variants that disrupt this residue are likely to be disease-causing. Algorithms developed to predict the effect of missense changes on protein structure and function (SIFT, PolyPhen-2, Align-GVGD) all suggest that this variant is likely to be disruptive. This variant has not been reported in the literature in individuals affected with FOXC1-related conditions. This variant is not present in population databases (gnomAD no frequency). This sequence change replaces arginine, which is basic and polar, with glycine, which is neutral and non-polar, at codon 169 of the FOXC1 protein (p.Arg169Gly).

Literature cited by the submitters: PubMed 15277473.

NM_001453.3(FOXC1):c.505C>G (p.Arg169Gly)

Gene: FOXC1 (forkhead box C1; plus strand). Cytogenetic location: 6p25.3.
Variant type: single nucleotide variant.
Coding change: c.505C>G on transcript NM_001453.3 (MANE Select); coding-DNA position 505, C replaced by G.
Protein change: p.Arg169Gly; replaces arginine 169 with glycine.
Molecular consequence: missense variant.
Genome position (GRCh38, 1-based): chr6:1,610,950, C>G. VCF-style: chr6-1610950-C-G. GRCh37 (hg19) VCF-style: chr6-1611185-C-G.
Other names: short protein forms R169G.
Identifiers: ClinVar variation 1995521 (VCV001995521.4), dbSNP rs2480502893, ClinGen allele CA362558977.
Genomic context (GRCh38, chr6:1,610,950, plus strand): 5'-GGCAGCTACTGGACGCTGGACCCGGACTCCTACAACATGTTCGAGAACGGCAGCTTCCTG[C>G]GGCGGCGGCGGCGCTTCAAGAAGAAGGACGCGGTGAAGGACAAGGAGGAGAAGGACAGGC-3'
Protein context (NP_001444.2, residues 159-179): YNMFENGSFL[Arg169Gly]RRRRFKKKDA